The following is an entry in ClinVar:

NM_004281.4(BAG3):c.322G>T (p.Val108Leu)

Gene: BAG3 (BAG cochaperone 3; plus strand). Cytogenetic location: 10q26.11.
Variant type: single nucleotide variant.
Coding change: c.322G>T on transcript NM_004281.4 (MANE Select); coding-DNA position 322, G replaced by T.
Protein change: p.Val108Leu; replaces valine 108 with leucine.
Molecular consequence: missense variant.
Genome position (GRCh38, 1-based): chr10:119,669,992, G>T. VCF-style: chr10-119669992-G-T. GRCh37 (hg19) VCF-style: chr10-121429504-G-T.
Other names: short protein forms V108L.
Identifiers: ClinVar variation 539154 (VCV000539154.8), dbSNP rs730880053, ClinGen allele CA378294861.
Genomic context (GRCh38, chr10:119,669,992, plus strand): 5'-CAGCTCCGACCAGGCTACATTCCCATTCCTGTGCTCCATGAAGGCGCTGAGAACCGGCAG[G>T]TGCACCCTTTCCATGTCTATCCCCAGCCTGGGATGCAGCGATTCCGAACTGAGGCGGCAG-3'
Protein context (NP_004272.2, residues 98-118): VLHEGAENRQ[Val108Leu]HPFHVYPQPG

ClinVar aggregate classification (germline): Uncertain significance. Review status: criteria provided, multiple submitters, no conflicts (2 of 4 stars). 2 submissions from 2 submitters: Uncertain significance (2). Last evaluated 2024-02-19.

Conditions:
Dilated cardiomyopathy 1HH (CMD1HH). Identifiers: Orphanet 154, MedGen C3151293, MONDO:0013479, OMIM 613881.
Myofibrillar myopathy 6. Identifiers: Orphanet 199340, MedGen C2751831, MONDO:0013061, OMIM 612954.

Submissions (2):

Labcorp Genetics (formerly Invitae), Labcorp
Classification: Uncertain significance for Dilated cardiomyopathy 1HH; Myofibrillar myopathy 6. Last evaluated: 2024-02-19. Review status: criteria provided, single submitter. Criteria: Invitae Variant Classification Sherloc (09022015). Collection method: clinical testing. Allele origin: germline.
Comment: This sequence change replaces valine, which is neutral and non-polar, with leucine, which is neutral and non-polar, at codon 108 of the BAG3 protein (p.Val108Leu). This variant is not present in population databases (gnomAD no frequency). This variant has not been reported in the literature in individuals affected with BAG3-related conditions. ClinVar contains an entry for this variant (Variation ID: 539154). Advanced modeling of protein sequence and biophysical properties (such as structural, functional, and spatial information, amino acid conservation, physicochemical variation, residue mobility, and thermodynamic stability) performed at Invitae indicates that this missense variant is not expected to disrupt BAG3 protein function with a negative predictive value of 80%. In summary, the available evidence is currently insufficient to determine the role of this variant in disease. Therefore, it has been classified as a Variant of Uncertain Significance.

Stanford Center for Inherited Cardiovascular Disease, Stanford University
Classification: Uncertain significance. Last evaluated: 2018-01-02. Review status: criteria provided, single submitter. Criteria: ACMG Guidelines, 2015. Collection method: provider interpretation. Allele origin: germline.